The following is an entry in ClinVar:

NM_001098671.2(RASGRP2):c.444GTT[1] (p.Leu149del)

Gene: RASGRP2 (RAS guanyl releasing protein 2; minus strand). Cytogenetic location: 11q13.1.
Variant type: Microsatellite.
Coding change: c.444GTT[1] on transcript NM_001098671.2 (MANE Select); one copy of the 3-base unit GTT starting at c.444; the reference has two copies in a row; one copy, 3 bases deleted.
Protein change: p.Leu149del; deletes leucine 149.
Molecular consequence: inframe deletion. On other transcripts: inframe indel (1).
Genome position (GRCh38, 1-based): chr11:64,740,086-64,740,088, AAC deleted on the plus strand (GTT on the coding strand, the reverse complement: RASGRP2 is on the minus strand); deleting any 3 consecutive bases within chr11:64,740,086-64,740,092 gives the same sequence; the position shown is the placement nearest the transcript's 3' end. VCF-style (leftmost placement, unchanged base first): chr11-64740085-AAAC-A. GRCh37 (hg19) VCF-style: chr11-64507557-AAAC-A.
Other names: c.447_449delGTT (NM_153819.1); c.444GTT[1], p.Leu149del (NM_001098670.2); c.9GTT[1], p.Leu4del (NM_001318398.2); c.443_445TGT[1], p.Leu149del (NM_153819.2); short protein forms L149del, L4del.
Identifiers: ClinVar variation 3068823 (VCV003068823.2), dbSNP rs1443142900, ClinGen allele CA599651515.
Genomic context (GRCh38, chr11:64,740,085, plus strand): 5'-GAAGGAGCGATACTCCAAGTAGGTGAGATGCTCCGCCAGCTCCATGGGCTCCAGGTGGTC[AAAC>A]AACAGGGACATCTTGCGCTTTTTCTGTCCCACAGGGTTCCGCTGAGTCACCTGCCGCTTC-3'

ClinVar aggregate classification (germline): Uncertain significance (1 of 4 stars; one submission).

Submission:

Women's Health and Genetics/Laboratory Corporation of America, LabCorp
Classification: Uncertain significance. Last evaluated: 2024-02-12. Review status: criteria provided, single submitter. Criteria: LabCorp Variant Classification Summary - May 2015. Collection method: clinical testing. Allele origin: germline.
Comment: Variant summary: RASGRP2 c.447_449delGTT (p.Leu149del) results in an in-frame deletion that is predicted to remove one amino acids from the encoded protein. The variant allele was found at a frequency of 8e-06 in 251408 control chromosomes. The available data on variant occurrences in the general population are insufficient to allow any conclusion about variant significance. To our knowledge, no occurrence of c.447_449delGTT in individuals affected with Platelet-Type Bleeding Disorder 18 and no experimental evidence demonstrating its impact on protein function have been reported. No submitters have cited clinical-significance assessments for this variant to ClinVar. Based on the evidence outlined above, the variant was classified as uncertain significance.